The following is an entry in ClinVar:

NM_000466.3(PEX1):c.3344A>G (p.Glu1115Gly)

Genes: GATAD1 (GATA zinc finger domain containing 1; plus strand), PEX1 (peroxisomal biogenesis factor 1; minus strand). Cytogenetic location: 7q21.2.
Variant type: single nucleotide variant.
Coding change: c.3344A>G on transcript NM_000466.3 (MANE Select); coding-DNA position 3344, A replaced by G.
Protein change: p.Glu1115Gly; replaces glutamic acid 1115 with glycine.
Molecular consequence: missense variant.
Genome position (GRCh38, 1-based): chr7:92,491,366, T>C on the plus strand (A>G on the coding strand, the complement: PEX1 is on the minus strand). VCF-style: chr7-92491366-T-C. GRCh37 (hg19) VCF-style: chr7-92120680-T-C.
Other names: c.3173A>G, p.Glu1058Gly (NM_001282677.2); c.2720A>G, p.Glu907Gly (NM_001282678.2); short protein forms E907G, E1058G, E1115G.
Identifiers: ClinVar variation 1405702 (VCV001405702.5), dbSNP rs762474729, ClinGen allele CA4340848.

ClinVar aggregate classification (germline): Uncertain significance (1 of 4 stars; one submission).

Conditions:
Zellweger spectrum disorders (ZS). Also called: Zellweger Spectrum Disorder (ZSD); Zellweger syndrome; Zellweger Spectrum Disorder; Zellweger Spectrum. Identifiers: Orphanet 912, MedGen C0043459, MONDO:0019609.

Allele frequency attached by ClinVar (database versions not stated): TOPMed below 0.00001; gnomAD exomes 0.00001 and 0.00003; gnomAD 0.00002; ExAC 0.00004.
gnomAD v4.1: 21 of 1,613,818 alleles (0.0013%); highest among the groups gnomAD compares: South Asian, 0.022%; no homozygotes.

Submission:

Labcorp Genetics (formerly Invitae), Labcorp
Classification: Uncertain significance for Zellweger spectrum disorders. Last evaluated: 2021-08-25. Review status: criteria provided, single submitter. Criteria: Invitae Variant Classification Sherloc (09022015). Collection method: clinical testing. Allele origin: germline.
Comment: This sequence change replaces glutamic acid with glycine at codon 1115 of the PEX1 protein (p.Glu1115Gly). The glutamic acid residue is moderately conserved and there is a moderate physicochemical difference between glutamic acid and glycine. This variant is present in population databases (rs762474729, ExAC 0.03%). This variant has not been reported in the literature in individuals affected with PEX1-related conditions. Algorithms developed to predict the effect of missense changes on protein structure and function are either unavailable or do not agree on the potential impact of this missense change (SIFT: "Deleterious"; PolyPhen-2: "Possibly Damaging"; Align-GVGD: "Class C0"). In summary, the available evidence is currently insufficient to determine the role of this variant in disease. Therefore, it has been classified as a Variant of Uncertain Significance.